The following is an entry in ClinVar:

ClinVar aggregate classification (germline): Uncertain significance (1 of 4 stars; one submission).

Submission:

GeneDx
Classification: Uncertain significance. Last evaluated: 2024-07-08. Review status: criteria provided, single submitter. Criteria: GeneDx Variant Classification Process June 2021. Collection method: clinical testing. Allele origin: germline. Affected: yes.
Comment: Not observed at significant frequency in large population cohorts (gnomAD); In silico analysis supports that this missense variant has a deleterious effect on protein structure/function; Has not been previously published as pathogenic or benign to our knowledge

NM_021098.3(CACNA1H):c.1569C>G (p.His523Gln)

Gene: CACNA1H (calcium voltage-gated channel subunit alpha1 H; plus strand). Cytogenetic location: 16p13.3.
Variant type: single nucleotide variant.
Coding change: c.1569C>G on transcript NM_021098.3 (MANE Select); coding-DNA position 1569, C replaced by G.
Protein change: p.His523Gln; replaces histidine 523 with glutamine.
Molecular consequence: missense variant.
Genome position (GRCh38, 1-based): chr16:1,202,019, C>G. VCF-style: chr16-1202019-C-G. GRCh37 (hg19) VCF-style: chr16-1252019-C-G.
Other names: c.1569C>G, p.His523Gln (NM_001005407.2); short protein forms H523Q.
Identifiers: ClinVar variation 3572520 (VCV003572520.1).
Genomic context (GRCh38, chr16:1,202,019, plus strand): 5'-CCAGCGCCGGGCAGGCAGGCACACAGCCTCGGTGCACCACCTGGTCTACCACCACCATCA[C>G]CACCACCACCACCACTACCATTTCAGCCATGGCAGCCCCCGCAGGCCCGGCCCCGAGCCA-3'
Protein context (NP_066921.2, residues 513-533): SVHHLVYHHH[His523Gln]HHHHHYHFSH